The following is an entry in ClinVar:

ClinVar aggregate classification (germline): Uncertain significance (1 of 4 stars; one submission).

Conditions:
Inborn genetic diseases. Identifiers: MedGen C0950123, MeSH D030342.

Allele frequency attached by ClinVar (database versions not stated): ExAC 0.00001.

Submission:

Ambry Genetics
Classification: Uncertain significance for Inborn genetic diseases. Last evaluated: 2023-11-22. Review status: criteria provided, single submitter. Criteria: Ambry Variant Classification Scheme 2023. Collection method: clinical testing. Allele origin: germline.
Comment: The p.N2185D variant (also known as c.6553A>G), located in coding exon 44 of the LRRK2 gene, results from an A to G substitution at nucleotide position 6553. The asparagine at codon 2185 is replaced by aspartic acid, an amino acid with highly similar properties. This amino acid position is conserved. In addition, this alteration is predicted to be tolerated by in silico analysis. Since supporting evidence is limited at this time, the clinical significance of this alteration remains unclear.

NM_198578.4(LRRK2):c.6553A>G (p.Asn2185Asp)

Gene: LRRK2 (leucine rich repeat kinase 2; plus strand). Cytogenetic location: 12q12.
Variant type: single nucleotide variant.
Coding change: c.6553A>G on transcript NM_198578.4 (MANE Select); coding-DNA position 6553, A replaced by G.
Protein change: p.Asn2185Asp; replaces asparagine 2185 with aspartic acid.
Molecular consequence: missense variant.
Genome position (GRCh38, 1-based): chr12:40,351,710, A>G. VCF-style: chr12-40351710-A-G. GRCh37 (hg19) VCF-style: chr12-40745512-A-G.
Other names: short protein forms N2185D.
Identifiers: ClinVar variation 3229737 (VCV003229737.1), dbSNP rs761587885, ClinGen allele CA6514706.